The following is an entry in ClinVar:

NM_182961.4(SYNE1):c.19564C>T (p.Gln6522Ter)

Gene: SYNE1 (spectrin repeat containing nuclear envelope protein 1; minus strand). Cytogenetic location: 6q25.2.
Variant type: single nucleotide variant.
Coding change: c.19564C>T on transcript NM_182961.4 (MANE Select); coding-DNA position 19564, C replaced by T.
Protein change: p.Gln6522Ter; replaces glutamine 6522 with a stop codon.
Molecular consequence: nonsense.
Genome position (GRCh38, 1-based): chr6:152,249,169, G>A on the plus strand (C>T on the coding strand, the complement: SYNE1 is on the minus strand). VCF-style: chr6-152249169-G-A. GRCh37 (hg19) VCF-style: chr6-152570304-G-A.
Other names: c.19351C>T, p.Gln6451Ter (NM_033071.5); short protein forms Q6451*, Q6522*.
Identifiers: ClinVar variation 1373226 (VCV001373226.6), dbSNP rs781655232, ClinGen allele CA4054649.
Genomic context (GRCh38, chr6:152,249,169, plus strand): 5'-GTCATATCTCCTCTATGCATTTTCTCTTCTAGGAAAAGGCAGCTATAAATACCTCTATTT[G>A]TTCTGCTACGGGCTGTTCAAACACATTTGCCAGTTTTTGCAGAATGATGTATTTGTTGTC-3'

ClinVar aggregate classification (germline): Pathogenic (1 of 4 stars; one submission).

Conditions:
Emery-Dreifuss muscular dystrophy 4, autosomal dominant (EDMD4). Also called: EMERY-DREIFUSS MUSCULAR DYSTROPHY 4 WITH VARIABLE FEATURES. Identifiers: Orphanet 261, MedGen C2751807, MONDO:0013071, OMIM 612998.
Autosomal recessive ataxia, Beauce type. Also called: SYNE1-Related Autosomal Recessive Cerebellar Ataxia; Spinocerebellar ataxia, autosomal recessive 8; ATAXIA, RECESSIVE, OF BEAUCE; SYNE1 Deficiency. Identifiers: Orphanet 88644, MedGen C1853116, MONDO:0012549, OMIM 610743.

Allele frequency attached by ClinVar (database versions not stated): gnomAD exomes below 0.00001 and 0.00001; ExAC 0.00001.
gnomAD v4.1: 2 of 1,610,002 alleles (0.00012%); highest among the groups gnomAD compares: Admixed American, 0.0033%; no homozygotes.

Submission:

Labcorp Genetics (formerly Invitae), Labcorp
Classification: Pathogenic for Emery-Dreifuss muscular dystrophy 4, autosomal dominant; Autosomal recessive ataxia, Beauce type. Last evaluated: 2022-06-20. Review status: criteria provided, single submitter. Criteria: Invitae Variant Classification Sherloc (09022015). Collection method: clinical testing. Allele origin: germline.
Comment: For these reasons, this variant has been classified as Pathogenic. Algorithms developed to predict the effect of sequence changes on RNA splicing suggest that this variant may disrupt the consensus splice site. This variant has not been reported in the literature in individuals affected with SYNE1-related conditions. This variant is present in population databases (rs781655232, gnomAD 0.006%). This sequence change creates a premature translational stop signal (p.Gln6451*) in the SYNE1 gene. It is expected to result in an absent or disrupted protein product. Loss-of-function variants in SYNE1 are known to be pathogenic (PMID: 19542096, 24319099, 27086870).

Literature cited by the submitters: PubMed 19542096; PubMed 24319099; PubMed 27086870.